The following is an entry in ClinVar:

NM_015488.5(PNKD):c.1A>T (p.Met1Leu)

Genes: PNKD (PNKD metallo-beta-lactamase domain containing; plus strand), LOC129935594 (ATAC-STARR-seq lymphoblastoid active region 17117; plus strand). Cytogenetic location: 2q35.
Variant type: single nucleotide variant.
Coding change: c.1A>T on transcript NM_015488.5 (MANE Select); coding-DNA position 1, A replaced by T.
Protein change: p.Met1Leu; changes the start codon (methionine 1).
Molecular consequence: missense variant, initiator codon variant.
Genome position (GRCh38, 1-based): chr2:218,270,536, A>T. VCF-style: chr2-218270536-A-T. GRCh37 (hg19) VCF-style: chr2-219135259-A-T.
Other names: c.1A>T, p.Met1Leu (NM_001077399.3); short protein forms M1L.
Identifiers: ClinVar variation 3361461 (VCV003361461.1).

ClinVar aggregate classification (germline): Uncertain significance (1 of 4 stars; one submission).

Submission:

GeneDx
Classification: Uncertain significance. Last evaluated: 2023-07-28. Review status: criteria provided, single submitter. Criteria: GeneDx Variant Classification Process June 2021. Collection method: clinical testing. Allele origin: germline. Affected: yes.
Comment: Not observed at significant frequency in large population cohorts (gnomAD); Initiation codon variant in a gene for which loss of function is not a known mechanism of disease; Has not been previously published as pathogenic or benign to our knowledge